The following is an entry in ClinVar:

ClinVar aggregate classification (germline): Pathogenic/Likely pathogenic. Review status: criteria provided, multiple submitters, no conflicts (2 of 4 stars). 2 submissions from 2 submitters: Pathogenic (1); Likely pathogenic (1). Last evaluated 2023-05-23.

Conditions:
Propionic acidemia (PROP). Also called: GLYCINEMIA, KETOTIC; HYPERGLYCINEMIA WITH KETOACIDOSIS AND LEUKOPENIA; KETOTIC HYPERGLYCINEMIA. Identifiers: Orphanet 35, MedGen C0268579, MONDO:0011628, OMIM 606054, HP:0003571.

Submissions (2):

Labcorp Genetics (formerly Invitae), Labcorp
Classification: Pathogenic for Propionic acidemia. Last evaluated: 2023-05-23. Review status: criteria provided, single submitter. Criteria: Invitae Variant Classification Sherloc (09022015). Collection method: clinical testing. Allele origin: germline.
Comment: This sequence change creates a premature translational stop signal (p.Gln167*) in the PCCB gene. It is expected to result in an absent or disrupted protein product. Loss-of-function variants in PCCB are known to be pathogenic (PMID: 15464417). This variant is not present in population databases (gnomAD no frequency). This variant has not been reported in the literature in individuals affected with PCCB-related conditions. For these reasons, this variant has been classified as Pathogenic.

Baylor Genetics
Classification: Likely pathogenic for Propionic acidemia. Last evaluated: 2022-11-19. Review status: criteria provided, single submitter. Criteria: ACMG Guidelines, 2015. Collection method: clinical testing. Allele origin: unknown.

Literature cited by the submitters: PubMed 15464417 (cited by Labcorp Genetics (formerly Invitae), Labcorp).

NM_000532.5(PCCB):c.499C>T (p.Gln167Ter)

Gene: PCCB (propionyl-CoA carboxylase subunit beta; plus strand). Cytogenetic location: 3q22.3.
Variant type: single nucleotide variant.
Coding change: c.499C>T on transcript NM_000532.5 (MANE Select); coding-DNA position 499, C replaced by T.
Protein change: p.Gln167Ter; replaces glutamine 167 with a stop codon.
Molecular consequence: nonsense.
Genome position (GRCh38, 1-based): chr3:136,262,021, C>T. VCF-style: chr3-136262021-C-T. GRCh37 (hg19) VCF-style: chr3-135980863-C-T.
Other names: c.559C>T, p.Gln187Ter (NM_001178014.2); short protein forms Q167*, Q187*.
Identifiers: ClinVar variation 2677524 (VCV002677524.4), dbSNP rs2529763878, ClinGen allele CA354739875.
Genomic context (GRCh38, chr3:136,262,021, plus strand): 5'-CAGGCCATAACGGTGGGGGCTCCAGTGATTGGGCTGAATGACTCTGGGGGAGCACGGATC[C>T]AAGAAGGAGTGGAGTCTTTGGCTGGCTATGCAGACATCTTTCTGGTGAGAAACCTGTTAA-3'